The following is an entry in ClinVar:

ClinVar aggregate classification (germline): Uncertain significance. Review status: criteria provided, single submitter (1 of 4 stars). 2 submissions from 2 submitters: Uncertain significance (1). 1 of the submissions does not count toward it. Last evaluated 2021-12-19.

Conditions:
Cohen syndrome (COH1). Also called: PEPPER SYNDROME; Cutis verticis gyrata, retinitis pigmentosa, and sensorineural deafness. Identifiers: Orphanet 193, MedGen C0265223, MONDO:0008999, OMIM 216550.
VPS13B-related disorder. Also called: VPS13B-related condition.

Allele frequency attached by ClinVar (database versions not stated): gnomAD exomes below 0.00001; TOPMed below 0.00001; gnomAD 0.00001.
gnomAD v4.1: 3 of 1,613,924 alleles (0.00019%); highest among the groups gnomAD compares: South Asian, 0.0011%; no homozygotes.

Submissions (2):

Labcorp Genetics (formerly Invitae), Labcorp
Classification: Uncertain significance for Cohen syndrome. Last evaluated: 2021-12-19. Review status: criteria provided, single submitter. Criteria: Invitae Variant Classification Sherloc (09022015). Collection method: clinical testing. Allele origin: germline.
Comment: This sequence change replaces asparagine, which is neutral and polar, with serine, which is neutral and polar, at codon 2719 of the VPS13B protein (p.Asn2719Ser). This variant is not present in population databases (gnomAD no frequency). This variant has not been reported in the literature in individuals affected with VPS13B-related conditions. Algorithms developed to predict the effect of missense changes on protein structure and function output the following: SIFT: "Not Available"; PolyPhen-2: "Benign"; Align-GVGD: "Not Available". The serine amino acid residue is found in multiple mammalian species, which suggests that this missense change does not adversely affect protein function. In summary, the available evidence is currently insufficient to determine the role of this variant in disease. Therefore, it has been classified as a Variant of Uncertain Significance.

PreventionGenetics, part of Exact Sciences
Classification: Uncertain significance for VPS13B-related condition. Last evaluated: 2024-07-31. Review status: no assertion criteria provided. Collection method: clinical testing. Allele origin: germline. Not counted in ClinVar's aggregate classification.
Comment: The VPS13B c.8081A>G variant is predicted to result in the amino acid substitution p.Asn2694Ser. To our knowledge, this variant has not been reported in the literature or in a large population database, indicating this variant is rare. At this time, the clinical significance of this variant is uncertain due to the absence of conclusive functional and genetic evidence.

NM_152564.5(VPS13B):c.8081A>G (p.Asn2694Ser)

Gene: VPS13B (vacuolar protein sorting 13 homolog B; plus strand). Cytogenetic location: 8q22.2.
Variant type: single nucleotide variant.
Coding change: c.8081A>G on transcript NM_152564.5 (MANE Select); coding-DNA position 8081, A replaced by G.
Protein change: p.Asn2694Ser; replaces asparagine 2694 with serine.
Molecular consequence: missense variant.
Genome position (GRCh38, 1-based): chr8:99,809,514, A>G. VCF-style: chr8-99809514-A-G. GRCh37 (hg19) VCF-style: chr8-100821742-A-G.
Other names: c.8156A>G, p.Asn2719Ser (NM_017890.5); short protein forms N2719S, N2694S.
Identifiers: ClinVar variation 2142858 (VCV002142858.2), dbSNP rs1270195810, ClinGen allele CA371770275.